The following is an entry in ClinVar:

NM_033068.3(ACP4):c.363C>T (p.Ala121=)

Gene: ACP4 (acid phosphatase 4; plus strand). Cytogenetic location: 19q13.33.
Variant type: single nucleotide variant.
Coding change: c.363C>T on transcript NM_033068.3 (MANE Select); coding-DNA position 363, C replaced by T.
Protein change: p.Ala121=; no amino-acid change (alanine 121 retained).
Molecular consequence: synonymous variant.
Genome position (GRCh38, 1-based): chr19:50,791,715, C>T. VCF-style: chr19-50791715-C-T. GRCh37 (hg19) VCF-style: chr19-51294972-C-T.
Identifiers: ClinVar variation 3049553 (VCV003049553.2), dbSNP rs150477417, ClinGen allele CA9602933.

ClinVar aggregate classification (germline): Likely benign (0 of 4 stars; one submission).

Conditions:
ACP4-related disorder. Also called: ACP4-related condition.

Allele frequency attached by ClinVar (database versions not stated): TOPMed 0.00003; ExAC 0.00005; gnomAD 0.00005; ESP Exome Variant Server 0.00015; 1000 Genomes Project 0.00020; 1000 Genomes Project 30x 0.00031.

Submission:

PreventionGenetics, part of Exact Sciences
Classification: Likely benign for ACP4-related condition. Last evaluated: 2019-02-21. Review status: no assertion criteria provided. Collection method: clinical testing. Allele origin: germline.
Comment: This variant is classified as likely benign based on ACMG/AMP sequence variant interpretation guidelines (Richards et al. 2015 PMID: 25741868, with internal and published modifications).